The following is an entry in ClinVar:

NM_032122.5(DTNBP1):c.964G>A (p.Asp322Asn)

Gene: DTNBP1 (dystrobrevin binding protein 1; minus strand). Cytogenetic location: 6p22.3.
Variant type: single nucleotide variant.
Coding change: c.964G>A on transcript NM_032122.5 (MANE Select); coding-DNA position 964, G replaced by A.
Protein change: p.Asp322Asn; replaces aspartic acid 322 with asparagine.
Molecular consequence: missense variant.
Genome position (GRCh38, 1-based): chr6:15,523,067, C>T on the plus strand (G>A on the coding strand, the complement: DTNBP1 is on the minus strand). VCF-style: chr6-15523067-C-T. GRCh37 (hg19) VCF-style: chr6-15523298-C-T.
Other names: c.721G>A, p.Asp241Asn (NM_001271667.2, NM_183041.1); c.913G>A, p.Asp305Asn (NM_001271668.2); c.859G>A, p.Asp287Asn (NM_001271669.2); short protein forms D287N, D305N, D322N, D241N.
Identifiers: ClinVar variation 2077798 (VCV002077798.4), dbSNP rs368759511, ClinGen allele CA3643667.

ClinVar aggregate classification (germline): Uncertain significance. Review status: criteria provided, multiple submitters, no conflicts (2 of 4 stars). 3 submissions from 3 submitters: Uncertain significance (3). Last evaluated 2023-12-18.

Conditions:
Inborn genetic diseases. Identifiers: MedGen C0950123, MeSH D030342.

Allele frequency attached by ClinVar (database versions not stated): TOPMed 0.00006; gnomAD 0.00007; ESP Exome Variant Server 0.00008; ExAC 0.00009.
gnomAD v4.1: 67 of 1,614,072 alleles (0.0042%); highest among the groups gnomAD compares: Admixed American, 0.043%; no homozygotes.

Submissions (3):

Labcorp Genetics (formerly Invitae), Labcorp
Classification: Uncertain significance. Last evaluated: 2023-12-18. Review status: criteria provided, single submitter. Criteria: Invitae Variant Classification Sherloc (09022015). Collection method: clinical testing. Allele origin: germline.
Comment: This sequence change replaces aspartic acid, which is acidic and polar, with asparagine, which is neutral and polar, at codon 322 of the DTNBP1 protein (p.Asp322Asn). This variant is present in population databases (rs368759511, gnomAD 0.05%). This variant has not been reported in the literature in individuals affected with DTNBP1-related conditions. ClinVar contains an entry for this variant (Variation ID: 2077798). Advanced modeling of protein sequence and biophysical properties (such as structural, functional, and spatial information, amino acid conservation, physicochemical variation, residue mobility, and thermodynamic stability) performed at Invitae indicates that this missense variant is expected to disrupt DTNBP1 protein function with a positive predictive value of 80%. In summary, the available evidence is currently insufficient to determine the role of this variant in disease. Therefore, it has been classified as a Variant of Uncertain Significance.

Ambry Genetics
Classification: Uncertain significance for Inborn genetic diseases. Last evaluated: 2022-12-15. Review status: criteria provided, single submitter. Criteria: Ambry Variant Classification Scheme 2023. Collection method: clinical testing. Allele origin: germline.

Blueprint Genetics
Classification: Uncertain significance. Last evaluated: 2020-01-27. Review status: criteria provided, single submitter. Criteria: ACMG Guidelines, 2015. Collection method: clinical testing. Allele origin: germline.